The following is an entry in ClinVar:

NM_024675.4(PALB2):c.3532_3537del (p.Gly1178_Asn1179del)

Gene: PALB2 (partner and localizer of BRCA2; minus strand). Cytogenetic location: 16p12.2.
Variant type: Deletion.
Coding change: c.3532_3537del on transcript NM_024675.4 (MANE Select); coding-DNA positions 3532 to 3537, 6 bases deleted (GGAAAT; older notation c.3532_3537delGGAAAT).
Protein change: p.Gly1178_Asn1179del.
Molecular consequence: inframe deletion.
Genome position (GRCh38, 1-based): chr16:23,603,483-23,603,488, ATTTCC deleted on the plus strand (GGAAAT on the coding strand, the reverse complement: PALB2 is on the minus strand); deleting any 6 consecutive bases within chr16:23,603,483-23,603,490 gives the same sequence; the c. name uses the placement nearest the transcript's 3' end. VCF-style (leftmost placement, unchanged base first): chr16-23603482-TATTTCC-T. GRCh37 (hg19) VCF-style: chr16-23614803-TATTTCC-T.
Identifiers: ClinVar variation 1505949 (VCV001505949.9), dbSNP rs2142251240, ClinGen allele CA2573152141.

ClinVar aggregate classification (germline): Uncertain significance (1 of 4 stars; one submission).

Conditions:
Familial cancer of breast. Also called: hereditary breast carcinoma; Hereditary breast cancer; BREAST CANCER, FAMILIAL. Identifiers: Orphanet 227535, MedGen C0346153, MONDO:0016419, OMIM 114480. Disease mechanism: loss of function.

Submission:

Labcorp Genetics (formerly Invitae), Labcorp
Classification: Uncertain significance for Familial cancer of breast. Last evaluated: 2021-07-17. Review status: criteria provided, single submitter. Criteria: Invitae Variant Classification Sherloc (09022015). Collection method: clinical testing. Allele origin: germline.
Comment: In summary, the available evidence is currently insufficient to determine the role of this variant in disease. Therefore, it has been classified as a Variant of Uncertain Significance. Experimental studies and prediction algorithms are not available or were not evaluated, and the functional significance of this variant is currently unknown. This variant has not been reported in the literature in individuals affected with PALB2-related conditions. This variant is not present in population databases (ExAC no frequency). This variant, c.3532_3537del, results in the deletion of 2 amino acid(s) of the PALB2 protein (p.Gly1178_Asn1179del), but otherwise preserves the integrity of the reading frame.